The following is an entry in ClinVar:

NM_000303.3(PMM2):c.352A>G (p.Thr118Ala)

Gene: PMM2 (phosphomannomutase 2; plus strand). Cytogenetic location: 16p13.2.
Variant type: single nucleotide variant.
Coding change: c.352A>G on transcript NM_000303.3 (MANE Select); coding-DNA position 352, A replaced by G.
Protein change: p.Thr118Ala; replaces threonine 118 with alanine.
Molecular consequence: missense variant.
Genome position (GRCh38, 1-based): chr16:8,811,083, A>G. VCF-style: chr16-8811083-A-G. GRCh37 (hg19) VCF-style: chr16-8904940-A-G.
Other names: short protein forms T118A.
Identifiers: ClinVar variation 286040 (VCV000286040.10), dbSNP rs886043289, ClinGen allele CA10605340.

ClinVar aggregate classification (germline): Uncertain significance. Review status: criteria provided, multiple submitters, no conflicts (2 of 4 stars). 2 submissions from 2 submitters: Uncertain significance (2). Last evaluated 2021-08-28.

Conditions:
PMM2-congenital disorder of glycosylation. Also called: PMM2-CDG; PHOSPHOMANNOMUTASE 2 DEFICIENCY; CARBOHYDRATE-DEFICIENT GLYCOPROTEIN SYNDROME, TYPE Ia; Congenital disorder of glycosylation, type Ia; CDG Ia; JAEKEN SYNDROME. Identifiers: Orphanet 79318, MedGen C0349653, MONDO:0008907, OMIM 212065.

Allele frequency attached by ClinVar (database versions not stated): gnomAD exomes below 0.00001.
gnomAD v4.1: 2 of 1,550,430 alleles (0.00013%); highest among the groups gnomAD compares: South Asian, 0.0012%; no homozygotes.

Submissions (2):

Labcorp Genetics (formerly Invitae), Labcorp
Classification: Uncertain significance for PMM2-congenital disorder of glycosylation. Last evaluated: 2021-08-28. Review status: criteria provided, single submitter. Criteria: Invitae Variant Classification Sherloc (09022015). Collection method: clinical testing. Allele origin: germline.
Comment: This sequence change replaces threonine with alanine at codon 118 of the PMM2 protein (p.Thr118Ala). The threonine residue is highly conserved and there is a small physicochemical difference between threonine and alanine. This variant is not present in population databases (ExAC no frequency). This variant has not been reported in the literature in individuals affected with PMM2-related conditions. ClinVar contains an entry for this variant (Variation ID: 286040). Algorithms developed to predict the effect of missense changes on protein structure and function are either unavailable or do not agree on the potential impact of this missense change (SIFT: "Deleterious"; PolyPhen-2: "Possibly Damaging"; Align-GVGD: "Class C0"). In summary, the available evidence is currently insufficient to determine the role of this variant in disease. Therefore, it has been classified as a Variant of Uncertain Significance.

Eurofins Ntd Llc (ga)
Classification: Uncertain significance. Last evaluated: 2016-02-02. Review status: criteria provided, single submitter. Criteria: EGL Classification Definitions 2015. Collection method: clinical testing. Allele origin: germline. Observed: 1 variant allele, 1 heterozygote.